The following is an entry in ClinVar:

NM_001876.4(CPT1A):c.742del (p.Leu248fs)

Gene: CPT1A (carnitine palmitoyltransferase 1A; minus strand). Cytogenetic location: 11q13.3.
Variant type: Deletion.
Coding change: c.742del on transcript NM_001876.4 (MANE Select); coding-DNA position 742, one base deleted (C; older notation c.742delC).
Protein change: p.Leu248fs; shifts the reading frame from leucine 248.
Molecular consequence: frameshift variant.
Genome position (GRCh38, 1-based): chr11:68,796,885, G deleted on the plus strand (C on the coding strand, the reverse complement: CPT1A is on the minus strand). VCF-style (leftmost placement, unchanged base first): chr11-68796884-AG-A. GRCh37 (hg19) VCF-style: chr11-68564352-AG-A.
Other names: c.742del, p.Leu248fs (NM_001031847.3); short protein forms L248fs.
Identifiers: ClinVar variation 1383563 (VCV001383563.6), dbSNP rs2154000018, ClinGen allele CA2573147546.

ClinVar aggregate classification (germline): Pathogenic (1 of 4 stars; one submission).

Conditions:
Carnitine palmitoyl transferase 1A deficiency. Also called: CPT deficiency, hepatic, type IA; CPT I DEFICIENCY; CPT DEFICIENCY, HEPATIC, TYPE I; Carnitine palmitoyltransferase 1A deficiency; Carnitine palmitoyltransferase type I deficiency. Identifiers: Orphanet 156, MedGen C1829703, MONDO:0009705, OMIM 255120.

Submission:

Labcorp Genetics (formerly Invitae), Labcorp
Classification: Pathogenic for Carnitine palmitoyl transferase 1A deficiency. Last evaluated: 2021-08-26. Review status: criteria provided, single submitter. Criteria: Invitae Variant Classification Sherloc (09022015). Collection method: clinical testing. Allele origin: germline.
Comment: This sequence change creates a premature translational stop signal (p.Leu248Serfs*3) in the CPT1A gene. It is expected to result in an absent or disrupted protein product. Loss-of-function variants in CPT1A are known to be pathogenic (PMID: 16169268). This variant is not present in population databases (ExAC no frequency). This variant has not been reported in the literature in individuals affected with CPT1A-related conditions. For these reasons, this variant has been classified as Pathogenic.

Literature cited by the submitters: PubMed 16169268.